The following is an entry in ClinVar:

NM_007294.4(BRCA1):c.929A>G (p.Gln310Arg)

Gene: BRCA1 (BRCA1 DNA repair associated; minus strand). Cytogenetic location: 17q21.31.
Variant type: single nucleotide variant.
Coding change: c.929A>G on transcript NM_007294.4 (MANE Select); coding-DNA position 929, A replaced by G.
Protein change: p.Gln310Arg; replaces glutamine 310 with arginine.
Molecular consequence: missense variant. On other transcripts: intron variant (137).
Genome position (GRCh38, 1-based): chr17:43,094,602, T>C on the plus strand (A>G on the coding strand, the complement: BRCA1 is on the minus strand). VCF-style: chr17-43094602-T-C. GRCh37 (hg19) VCF-style: chr17-41246619-T-C.
Other names: c.716A>G, p.Gln239Arg (NM_001407571.1, NM_001407853.1, NM_001407894.1 and 9 more transcripts); c.929A>G, p.Gln310Arg (NM_001407581.1, NM_001407582.1, NM_001407583.1 and 30 more transcripts); c.926A>G, p.Gln309Arg (NM_001407587.1, NM_001407590.1, NM_001407591.1 and 22 more transcripts); c.920A>G, p.Gln307Arg (NM_001407646.1, NM_001407647.1); c.806A>G, p.Gln269Arg (NM_001407648.1, NM_001407664.1, NM_001407665.1 and 19 more transcripts); c.803A>G, p.Gln268Arg (NM_001407649.1, NM_001407670.1, NM_001407671.1 and 11 more transcripts); c.851A>G, p.Gln284Arg (NM_001407653.1, NM_001407654.1, NM_001407655.1 and 4 more transcripts); c.848A>G, p.Gln283Arg (NM_001407659.1, NM_001407660.1, NM_001407661.1 and 1 more transcripts); and 40 more; short protein forms Q263R, Q310R, Q199R, Q221R, Q222R, Q262R, Q283R, Q307R.
Identifiers: ClinVar variation 1345668 (VCV001345668.11), dbSNP rs1597879098, ClinGen allele CA10600210.

ClinVar aggregate classification (germline): Conflicting classifications of pathogenicity. Review status: criteria provided, conflicting classifications (1 of 4 stars). 2 submissions from 2 submitters: Uncertain significance (1); Likely benign (1). Last evaluated 2023-03-23.

Conditions:
Hereditary cancer-predisposing syndrome. Also called: Hereditary neoplastic syndrome; Tumor predisposition; Neoplastic Syndromes, Hereditary; Hereditary Cancer Syndrome. Identifiers: Orphanet 140162, MedGen C0027672, MeSH D009386, MONDO:0015356.
Hereditary breast ovarian cancer syndrome. Also called: Hereditary breast and ovarian cancer; Hereditary breast and/or ovarian cancer syndrome; Breast and ovarian cancer; BRCA1- and BRCA2-Associated Hereditary Breast and Ovarian Cancer; Hereditary breast and ovarian cancer syndrome; Hereditary breast and ovarian cancer syndrome (HBOC). Identifiers: Orphanet 145, MedGen C0677776, MeSH D061325, MONDO:0003582. Disease mechanism: loss of function.

Submissions (2):

University of Washington Department of Laboratory Medicine, University of Washington
Classification: Likely benign for Hereditary cancer-predisposing syndrome. Last evaluated: 2023-03-23. Review status: criteria provided, single submitter. Criteria: Dines et al. (Genet Med. 2020). Collection method: curation. Allele origin: germline.
Comment: Missense variant in a coldspot region where missense variants are very unlikely to be pathogenic (PMID:31911673).

BRCA1 coldspot (exon 11 using historical exon numbering). Reclassification based on statistical prior probability

Labcorp Genetics (formerly Invitae), Labcorp
Classification: Uncertain significance for Hereditary breast ovarian cancer syndrome. Last evaluated: 2021-04-16. Review status: criteria provided, single submitter. Criteria: Invitae Variant Classification Sherloc (09022015). Collection method: clinical testing. Allele origin: germline.
Comment: In summary, the available evidence is currently insufficient to determine the role of this variant in disease. Therefore, it has been classified as a Variant of Uncertain Significance. Advanced modeling of protein sequence and biophysical properties (such as structural, functional, and spatial information, amino acid conservation, physicochemical variation, residue mobility, and thermodynamic stability) performed at Invitae indicates that this missense variant is not expected to disrupt BRCA1 protein function. This variant has not been reported in the literature in individuals with BRCA1-related conditions. This variant is not present in population databases (ExAC no frequency). This sequence change replaces glutamine with arginine at codon 310 of the BRCA1 protein (p.Gln310Arg). The glutamine residue is moderately conserved and there is a small physicochemical difference between glutamine and arginine.